The following is an entry in ClinVar:

NM_014908.4(DOLK):c.913T>C (p.Ser305Pro)

Gene: DOLK (dolichol kinase; minus strand). Cytogenetic location: 9q34.11.
Variant type: single nucleotide variant.
Coding change: c.913T>C on transcript NM_014908.4 (MANE Select); coding-DNA position 913, T replaced by C.
Protein change: p.Ser305Pro; replaces serine 305 with proline.
Molecular consequence: missense variant.
Genome position (GRCh38, 1-based): chr9:128,946,391, A>G on the plus strand (T>C on the coding strand, the complement: DOLK is on the minus strand). VCF-style: chr9-128946391-A-G. GRCh37 (hg19) VCF-style: chr9-131708670-A-G.
Other names: short protein forms S305P.
Identifiers: ClinVar variation 3365015 (VCV003365015.2).

ClinVar aggregate classification (germline): Uncertain significance (1 of 4 stars; one submission).

Submission:

GeneDx
Classification: Uncertain significance. Last evaluated: 2026-01-13. Review status: criteria provided, single submitter. Criteria: GeneDx Variant Classification Process June 2021. Collection method: clinical testing. Allele origin: germline.
Comment: Not observed at significant frequency in large population cohorts (gnomAD); In silico analysis suggests that this missense variant does not alter protein structure/function; Has not been previously published as pathogenic or benign to our knowledge